The following is an entry in ClinVar:

ClinVar aggregate classification (germline): Uncertain significance (1 of 4 stars; one submission).

Conditions:
Inborn genetic diseases. Identifiers: MedGen C0950123, MeSH D030342.

Submission:

Ambry Genetics
Classification: Uncertain significance for Inborn genetic diseases. Last evaluated: 2025-03-25. Review status: criteria provided, single submitter. Criteria: Ambry Variant Classification Scheme 2023. Collection method: clinical testing. Allele origin: germline.
Comment: The p.F667V variant (also known as c.1999T>G), located in coding exon 12 of the PIK3CA gene, results from a T to G substitution at nucleotide position 1999. The phenylalanine at codon 667 is replaced by valine, an amino acid with highly similar properties. This amino acid position is conserved. In addition, this alteration is predicted to be deleterious by in silico analysis. Based on the available evidence, the clinical significance of this variant remains unclear.

NM_006218.4(PIK3CA):c.1999T>G (p.Phe667Val)

Gene: PIK3CA (phosphatidylinositol-4,5-bisphosphate 3-kinase catalytic subunit alpha; plus strand). Cytogenetic location: 3q26.32.
Variant type: single nucleotide variant.
Coding change: c.1999T>G on transcript NM_006218.4 (MANE Select); coding-DNA position 1999, T replaced by G.
Protein change: p.Phe667Val; replaces phenylalanine 667 with valine.
Molecular consequence: missense variant.
Genome position (GRCh38, 1-based): chr3:179,220,036, T>G. VCF-style: chr3-179220036-T-G. GRCh37 (hg19) VCF-style: chr3-178937824-T-G.
Other names: short protein forms F667V.
Identifiers: ClinVar variation 3932387 (VCV003932387.1).